The following is an entry in ClinVar:

ClinVar aggregate classification (germline): Uncertain significance. Review status: criteria provided, multiple submitters, no conflicts (2 of 4 stars). 6 submissions from 6 submitters: Uncertain significance (6). Last evaluated 2025-12-18.

Conditions:
Cardiomyopathy (CMYO). Also called: Cardiomyopathies. Identifiers: Orphanet 167848, MedGen C0878544, MONDO:0004994, HP:0001638. Inheritance: Various modes of inheritance.
Cardiovascular phenotype. Identifiers: MedGen CN230736.
Catecholaminergic polymorphic ventricular tachycardia (CVPT). Also called: Catecholamine-induced polymorphic ventricular tachycardia. Identifiers: Orphanet 3286, MedGen C5574922, MONDO:0017990.
Catecholaminergic polymorphic ventricular tachycardia 1. Also called: RYR2-Related Catecholaminergic Polymorphic Ventricular Tachycardia; VENTRICULAR TACHYCARDIA, CATECHOLAMINERGIC POLYMORPHIC, 1, WITH OR WITHOUT ATRIAL DYSFUNCTION AND/OR DILATED CARDIOMYOPATHY; VENTRICULAR TACHYCARDIA, STRESS-INDUCED POLYMORPHIC 1. Identifiers: Orphanet 3286, MedGen C1631597, MONDO:0011484, OMIM 604772.
Arrhythmogenic right ventricular dysplasia 2. Identifiers: MedGen C1832931.
Ventricular arrhythmias due to cardiac ryanodine receptor calcium release deficiency syndrome. Also called: Autosomal dominant cardiac arrhythmia (Kuhn). Identifiers: MedGen C5542154, MONDO:0020745, OMIM 115000.

Allele frequency attached by ClinVar (database versions not stated): gnomAD 0.00001; gnomAD exomes 0.00001.
gnomAD v4.1: 9 of 1,612,394 alleles (0.00056%); highest among the groups gnomAD compares: African/African-American, 0.0013%; no homozygotes.

Submissions (6):

Labcorp Genetics (formerly Invitae), Labcorp
Classification: Uncertain significance for Catecholaminergic polymorphic ventricular tachycardia 1. Last evaluated: 2025-12-18. Review status: criteria provided, single submitter. Criteria: Invitae Variant Classification Sherloc (09022015). Collection method: clinical testing. Allele origin: germline.
Comment: This sequence change replaces tyrosine, which is neutral and polar, with cysteine, which is neutral and slightly polar, at codon 1486 of the RYR2 protein (p.Tyr1486Cys). This variant is present in population databases (no rsID available, gnomAD 0.002%). This variant has not been reported in the literature in individuals affected with RYR2-related conditions. ClinVar contains an entry for this variant (Variation ID: 1001768). Invitae Evidence Modeling of protein sequence and biophysical properties (such as structural, functional, and spatial information, amino acid conservation, physicochemical variation, residue mobility, and thermodynamic stability) has been performed for this missense variant. However, the output from this modeling did not meet the statistical confidence thresholds required to predict the impact of this variant on RYR2 protein function. In summary, the available evidence is currently insufficient to determine the role of this variant in disease. Therefore, it has been classified as a Variant of Uncertain Significance.

Ambry Genetics
Classification: Uncertain significance for Cardiovascular phenotype. Last evaluated: 2025-11-14. Review status: criteria provided, single submitter. Criteria: Ambry Variant Classification Scheme 2023. Collection method: clinical testing. Allele origin: germline.
Comment: The p.Y1486C variant (also known as c.4457A>G), located in coding exon 34 of the RYR2 gene, results from an A to G substitution at nucleotide position 4457. The tyrosine at codon 1486 is replaced by cysteine, an amino acid with highly dissimilar properties. This amino acid position is highly conserved in available vertebrate species. In addition, the in silico prediction for this alteration is inconclusive. Since supporting evidence is limited at this time, the clinical significance of this alteration remains unclear.

Molecular Diagnostic Laboratory for Inherited Cardiovascular Disease, Montreal Heart Institute
Classification: Uncertain significance for Cardiovascular phenotype. Last evaluated: 2025-04-09. Review status: criteria provided, single submitter. Criteria: ACMG Guidelines, 2015. Collection method: clinical testing. Allele origin: germline. Affected: yes.

Color Diagnostics, LLC DBA Color Health
Classification: Uncertain significance for Cardiomyopathy. Last evaluated: 2024-03-06. Review status: criteria provided, single submitter. Criteria: ACMG Guidelines, 2015. Collection method: clinical testing. Allele origin: germline.
Comment: This missense variant replaces tyrosine with cysteine at codon 1486 of the RYR2 protein. Computational prediction is inconclusive regarding the impact of this variant on protein structure and function (internally defined REVEL score threshold 0.5 < inconclusive < 0.7, PMID: 27666373). To our knowledge, functional studies have not been reported for this variant. This variant has not been reported in individuals affected with RYR2-related disorders in the literature. This variant has been identified in 2/247334 chromosomes in the general population by the Genome Aggregation Database (gnomAD). The available evidence is insufficient to determine the role of this variant in disease conclusively. Therefore, this variant is classified as a Variant of Uncertain Significance.

All of Us Research Program, National Institutes of Health
Classification: Uncertain significance for Catecholaminergic polymorphic ventricular tachycardia. Last evaluated: 2023-12-18. Review status: criteria provided, single submitter. Criteria: ACMG Guidelines, 2015. Collection method: clinical testing. Allele origin: germline. Inheritance: Autosomal dominant inheritance. Observed: 1 variant allele, 1 heterozygote.
Comment: This missense variant replaces tyrosine with cysteine at codon 1486 of the RYR2 protein. Computational prediction is inconclusive regarding the impact of this variant on protein structure and function (internally defined REVEL score threshold 0.5 < inconclusive < 0.7, PMID: 27666373). To our knowledge, functional studies have not been reported for this variant. This variant has not been reported in individuals affected with cardiovascular disorders in the literature. This variant has been identified in 2/247334 chromosomes in the general population by the Genome Aggregation Database (gnomAD). The available evidence is insufficient to determine the role of this variant in disease conclusively. Therefore, this variant is classified as a Variant of Uncertain Significance.

This study involves interpretation of variants in research participants for the purpose of population health screening. Participant phenotype was not available at the time of variant classification. Additional details can be found in publication PMID: 35346344, PMCID: PMC8962531

Fulgent Genetics
Classification: Uncertain significance for Ventricular arrhythmias due to cardiac ryanodine receptor calcium release deficiency syndrome; Catecholaminergic polymorphic ventricular tachycardia 1. Last evaluated: 2021-09-22. Review status: criteria provided, single submitter. Criteria: ACMG Guidelines, 2015. Collection method: clinical testing. Allele origin: unknown.

NM_001035.3(RYR2):c.4457A>G (p.Tyr1486Cys)

Gene: RYR2 (ryanodine receptor 2; plus strand). Cytogenetic location: 1q43.
Variant type: single nucleotide variant.
Coding change: c.4457A>G on transcript NM_001035.3 (MANE Select); coding-DNA position 4457, A replaced by G.
Protein change: p.Tyr1486Cys; replaces tyrosine 1486 with cysteine.
Molecular consequence: missense variant.
Genome position (GRCh38, 1-based): chr1:237,595,518, A>G. VCF-style: chr1-237595518-A-G. GRCh37 (hg19) VCF-style: chr1-237758818-A-G.
Other names: c.4457A>G (NM_001035.2); short protein forms Y1486C.
Identifiers: ClinVar variation 1001768 (VCV001001768.18), dbSNP rs1353376223, ClinGen allele CA345400136.
Genomic context (GRCh38, chr1:237,595,518, plus strand): 5'-TGTGGTTGTACAAAGATAAAAATGTTCTTTTGAAATTCAGCATCAAACGCAGCAACTGCT[A>G]TATGGTATGTGCGGGTGAGAGCATGAGCCCCGGGCAAGGACGCAACAATAATGGACTGGA-3'
Protein context (NP_001026.2, residues 1476-1496): VHESIKRSNC[Tyr1486Cys]MVCAGESMSP